The following is an entry in ClinVar:

NM_032444.4(SLX4):c.2510A>G (p.Lys837Arg)

Gene: SLX4 (SLX4 structure-specific endonuclease subunit; minus strand). Cytogenetic location: 16p13.3.
Variant type: single nucleotide variant.
Coding change: c.2510A>G on transcript NM_032444.4 (MANE Select); coding-DNA position 2510, A replaced by G.
Protein change: p.Lys837Arg; replaces lysine 837 with arginine.
Molecular consequence: missense variant.
Genome position (GRCh38, 1-based): chr16:3,591,128, T>C on the plus strand (A>G on the coding strand, the complement: SLX4 is on the minus strand). VCF-style: chr16-3591128-T-C. GRCh37 (hg19) VCF-style: chr16-3641129-T-C.
Other names: short protein forms K837R.
Identifiers: ClinVar variation 1440921 (VCV001440921.6), dbSNP rs2151125769, ClinGen allele CA394523679.

ClinVar aggregate classification (germline): Uncertain significance (1 of 4 stars; one submission).

Conditions:
Fanconi anemia (FA). Also called: Fanconi's anemia. Identifiers: Orphanet 84, MedGen C0015625, MeSH D005199, MONDO:0019391.

gnomAD v4.1: 1 of 1,614,240 alleles (0.000062%); highest among the groups gnomAD compares: Non-Finnish European, 0.000085%; no homozygotes.

Submission:

Labcorp Genetics (formerly Invitae), Labcorp
Classification: Uncertain significance for Fanconi anemia. Last evaluated: 2022-07-19. Review status: criteria provided, single submitter. Criteria: Invitae Variant Classification Sherloc (09022015). Collection method: clinical testing. Allele origin: germline.
Comment: This sequence change replaces lysine, which is basic and polar, with arginine, which is basic and polar, at codon 837 of the SLX4 protein (p.Lys837Arg). In summary, the available evidence is currently insufficient to determine the role of this variant in disease. Therefore, it has been classified as a Variant of Uncertain Significance. Algorithms developed to predict the effect of sequence changes on RNA splicing suggest that this variant may create or strengthen a splice site. Algorithms developed to predict the effect of missense changes on protein structure and function (SIFT, PolyPhen-2, Align-GVGD) all suggest that this variant is likely to be tolerated. ClinVar contains an entry for this variant (Variation ID: 1440921). This variant has not been reported in the literature in individuals affected with SLX4-related conditions. This variant is not present in population databases (gnomAD no frequency).